The following is an entry in ClinVar:

NM_002334.4(LRP4):c.4813G>A (p.Val1605Met)

Genes: LRP4 (LDL receptor related protein 4; minus strand), LRP4-AS1 (LRP4 antisense RNA 1; plus strand). Cytogenetic location: 11p11.2.
Variant type: single nucleotide variant.
Coding change: c.4813G>A on transcript NM_002334.4 (MANE Select); coding-DNA position 4813, G replaced by A.
Protein change: p.Val1605Met; replaces valine 1605 with methionine.
Molecular consequence: missense variant.
Genome position (GRCh38, 1-based): chr11:46,869,012, C>T on the plus strand (G>A on the coding strand, the complement: LRP4 is on the minus strand). VCF-style: chr11-46869012-C-T. GRCh37 (hg19) VCF-style: chr11-46890563-C-T.
Other names: short protein forms V1605M.
Identifiers: ClinVar variation 3599643 (VCV003599643.2).

ClinVar aggregate classification (germline): Uncertain significance. Review status: criteria provided, multiple submitters, no conflicts (2 of 4 stars). 2 submissions from 2 submitters: Uncertain significance (2). Last evaluated 2025-06-30.

Conditions:
Sclerosteosis 2 (SOST2). Identifiers: Orphanet 3152, MedGen C3280402, MONDO:0013679, OMIM 614305.
Congenital myasthenic syndrome 17. Identifiers: Orphanet 590, MedGen C4225377, MONDO:0014578, OMIM 616304.
Cenani-Lenz syndactyly syndrome. Also called: CENANI SYNDACTYLISM; SYNDACTYLY, TYPE VII. Identifiers: Orphanet 3258, MedGen C1859309, MONDO:0008931, OMIM 212780.

gnomAD v4.1: 2 of 1,614,176 alleles (0.00012%); highest among the groups gnomAD compares: Non-Finnish European, 0.00017%; no homozygotes.

Submissions (2):

Labcorp Genetics (formerly Invitae), Labcorp
Classification: Uncertain significance for Cenani-Lenz syndactyly syndrome; Sclerosteosis 2; Congenital myasthenic syndrome 17. Last evaluated: 2025-06-30. Review status: criteria provided, single submitter. Criteria: Invitae Variant Classification Sherloc (09022015). Collection method: clinical testing. Allele origin: germline.
Comment: This sequence change replaces valine, which is neutral and non-polar, with methionine, which is neutral and non-polar, at codon 1605 of the LRP4 protein (p.Val1605Met). This variant is not present in population databases (gnomAD no frequency). This variant has not been reported in the literature in individuals affected with LRP4-related conditions. ClinVar contains an entry for this variant (Variation ID: 3599643). Invitae Evidence Modeling of protein sequence and biophysical properties (such as structural, functional, and spatial information, amino acid conservation, physicochemical variation, residue mobility, and thermodynamic stability) indicates that this missense variant is not expected to disrupt LRP4 protein function with a negative predictive value of 80%. In summary, the available evidence is currently insufficient to determine the role of this variant in disease. Therefore, it has been classified as a Variant of Uncertain Significance.

Fulgent Genetics
Classification: Uncertain significance for Cenani-Lenz syndactyly syndrome; Sclerosteosis 2; Congenital myasthenic syndrome 17. Last evaluated: 2024-04-01. Review status: criteria provided, single submitter. Criteria: ACMG Guidelines, 2015. Collection method: clinical testing. Allele origin: germline.